The following is an entry in ClinVar:

NM_020975.6(RET):c.1861G>A (p.Glu621Lys)

Gene: RET (ret proto-oncogene; plus strand). Cytogenetic location: 10q11.21.
Variant type: single nucleotide variant.
Coding change: c.1861G>A on transcript NM_020975.6 (MANE Select); coding-DNA position 1861, G replaced by A.
Protein change: p.Glu621Lys; replaces glutamic acid 621 with lysine.
Molecular consequence: missense variant.
Genome position (GRCh38, 1-based): chr10:43,113,657, G>A. VCF-style: chr10-43113657-G-A. GRCh37 (hg19) VCF-style: chr10-43609105-G-A.
Other names: c.1861G>A, p.Glu621Lys (NM_000323.2, NM_001406743.1, NM_001406744.1 and 6 more transcripts); c.1099G>A, p.Glu367Lys (NM_001355216.2); c.1732G>A, p.Glu578Lys (NM_001406761.1, NM_001406762.1, NM_001406764.1 and 1 more transcripts); c.1573G>A, p.Glu525Lys (NM_001406766.1, NM_001406767.1, NM_001406770.1); c.1465G>A, p.Glu489Lys (NM_001406769.1, NM_001406772.1); c.1423G>A, p.Glu475Lys (NM_001406771.1, NM_001406773.1); c.1336G>A, p.Glu446Lys (NM_001406774.1); c.1135G>A, p.Glu379Lys (NM_001406775.1, NM_001406776.1, NM_001406777.1 and 1 more transcripts); and 5 more; short protein forms E291K, E367K, E379K, E446K, E525K, E578K, E322K, E138K.
Identifiers: ClinVar variation 2160183 (VCV002160183.6), dbSNP rs1228204486, ClinGen allele CA376552824.

ClinVar aggregate classification (germline): Uncertain significance. Review status: criteria provided, multiple submitters, no conflicts (2 of 4 stars). 2 submissions from 2 submitters: Uncertain significance (2). Last evaluated 2023-07-28.

Conditions:
Multiple endocrine neoplasia, type 2 (MEN2). Identifiers: Orphanet 653, MedGen C4048306, MONDO:0019003. Disease mechanism: gain of function.
Hereditary cancer-predisposing syndrome. Also called: Tumor predisposition; Hereditary neoplastic syndrome; Neoplastic Syndromes, Hereditary; Hereditary Cancer Syndrome. Identifiers: Orphanet 140162, MedGen C0027672, MeSH D009386, MONDO:0015356.

Allele frequency attached by ClinVar (database versions not stated): gnomAD exomes below 0.00001.
gnomAD v4.1: 2 of 1,613,276 alleles (0.00012%); highest among the groups gnomAD compares: South Asian, 0.0011%; no homozygotes.

Submissions (2):

Ambry Genetics
Classification: Uncertain significance for Hereditary cancer-predisposing syndrome. Last evaluated: 2023-07-28. Review status: criteria provided, single submitter. Criteria: Ambry Variant Classification Scheme 2023. Collection method: clinical testing. Allele origin: germline.
Comment: The p.E621K variant (also known as c.1861G>A), located in coding exon 10 of the RET gene, results from a G to A substitution at nucleotide position 1861. The glutamic acid at codon 621 is replaced by lysine, an amino acid with similar properties. This amino acid position is highly conserved in available vertebrate species. In addition, this alteration is predicted to be deleterious by in silico analysis. Since supporting evidence is limited at this time, the clinical significance of this alteration remains unclear.

Labcorp Genetics (formerly Invitae), Labcorp
Classification: Uncertain significance for Multiple endocrine neoplasia, type 2. Last evaluated: 2022-02-19. Review status: criteria provided, single submitter. Criteria: Invitae Variant Classification Sherloc (09022015). Collection method: clinical testing. Allele origin: germline.
Comment: This variant is not present in population databases (gnomAD no frequency). In summary, the available evidence is currently insufficient to determine the role of this variant in disease. Therefore, it has been classified as a Variant of Uncertain Significance. Algorithms developed to predict the effect of missense changes on protein structure and function are either unavailable or do not agree on the potential impact of this missense change (SIFT: "Tolerated"; PolyPhen-2: "Possibly Damaging"; Align-GVGD: "Class C0"). This variant has not been reported in the literature in individuals affected with RET-related conditions. This sequence change replaces glutamic acid, which is acidic and polar, with lysine, which is basic and polar, at codon 621 of the RET protein (p.Glu621Lys).